The following is an entry in ClinVar:

NM_001042492.3(NF1):c.3113G>C (p.Arg1038Thr)

Gene: NF1 (neurofibromin 1; plus strand). Cytogenetic location: 17q11.2.
Variant type: single nucleotide variant.
Coding change: c.3113G>C on transcript NM_001042492.3 (MANE Select); coding-DNA position 3113, G replaced by C.
Protein change: p.Arg1038Thr; replaces arginine 1038 with threonine.
Molecular consequence: missense variant.
Genome position (GRCh38, 1-based): chr17:31,230,382, G>C. VCF-style: chr17-31230382-G-C. GRCh37 (hg19) VCF-style: chr17-29557400-G-C.
Other names: c.3113G>C, p.Arg1038Thr (NM_000267.4); short protein forms R1038T.
Identifiers: ClinVar variation 1379171 (VCV001379171.7), dbSNP rs1060500313, ClinGen allele CA398987757.

ClinVar aggregate classification (germline): Pathogenic/Likely pathogenic. Review status: criteria provided, multiple submitters, no conflicts (2 of 4 stars). 2 submissions from 2 submitters: Pathogenic (1); Likely pathogenic (1). Last evaluated 2021-10-02.

Conditions:
NF1-related disorder. Also called: NF1-related condition. Identifiers: MedGen CN379171.
Neurofibromatosis, type 1 (NF1). Also called: Peripheral type neurofibromatosis; Neurofibromatosis, type I; VON RECKLINGHAUSEN DISEASE; NEUROFIBROMATOSIS, TYPE I, SOMATIC. Identifiers: Orphanet 636, MedGen C0027831, MONDO:0018975, OMIM 162200. Disease mechanism: loss of function.

Submissions (2):

Labcorp Genetics (formerly Invitae), Labcorp
Classification: Pathogenic for Neurofibromatosis, type 1. Last evaluated: 2021-10-02. Review status: criteria provided, single submitter. Criteria: Invitae Variant Classification Sherloc (09022015). Collection method: clinical testing. Allele origin: germline.
Comment: For these reasons, this variant has been classified as Pathogenic. This variant disrupts a region of the NF1 protein in which other variant(s) (p.Arg1000Pro) have been determined to be pathogenic (Invitae). This suggests that this is a clinically significant region of the protein, and that variants that disrupt it are likely to be disease-causing. Variants that disrupt the consensus splice site are a relatively common cause of aberrant splicing (PMID: 17576681, 9536098). Studies have shown that this missense change results in skipping of exon 23 (also called exon 18), but is expected to preserve the integrity of the reading-frame (PMID: 18546366). Algorithms developed to predict the effect of missense changes on protein structure and function are either unavailable or do not agree on the potential impact of this missense change (SIFT: "Deleterious"; PolyPhen-2: "Probably Damaging"; Align-GVGD: "Class C0"). This missense change has been observed in individual(s) with clinical features of neurofibromatosis type 1 (PMID: 18546366). This variant is not present in population databases (ExAC no frequency). This sequence change replaces arginine with threonine at codon 1038 of the NF1 protein (p.Arg1038Thr). The arginine residue is moderately conserved and there is a moderate physicochemical difference between arginine and threonine. RNA analysis indicates that this missense change induces altered splicing and likely results in a shortened protein product.

Blueprint Genetics
Classification: Likely pathogenic for NF1-related disorders. Last evaluated: 2021-07-06. Review status: criteria provided, single submitter. Criteria: ACMG Guidelines, 2015. Collection method: clinical testing. Allele origin: germline. Affected: yes. Observed: 2 variant alleles.

Literature cited by the submitters: PubMed 17576681 (cited by Labcorp Genetics (formerly Invitae), Labcorp); PubMed 9536098 (cited by Labcorp Genetics (formerly Invitae), Labcorp); PubMed 18546366 (cited by Labcorp Genetics (formerly Invitae), Labcorp).